The following is an entry in ClinVar:

NM_138694.4(PKHD1):c.607C>T (p.Pro203Ser)

Gene: PKHD1 (PKHD1 ciliary IPT domain containing fibrocystin/polyductin; minus strand). Cytogenetic location: 6p12.2.
Variant type: single nucleotide variant.
Coding change: c.607C>T on transcript NM_138694.4 (MANE Select); coding-DNA position 607, C replaced by T.
Protein change: p.Pro203Ser; replaces proline 203 with serine.
Molecular consequence: missense variant.
Genome position (GRCh38, 1-based): chr6:52,071,066, G>A on the plus strand (C>T on the coding strand, the complement: PKHD1 is on the minus strand). VCF-style: chr6-52071066-G-A. GRCh37 (hg19) VCF-style: chr6-51935864-G-A.
Other names: c.607C>T, p.Pro203Ser (NM_170724.3); short protein forms P203S.
Identifiers: ClinVar variation 598513 (VCV000598513.10), dbSNP rs777994980, ClinGen allele CA3853843.

ClinVar aggregate classification (germline): Uncertain significance. Review status: criteria provided, multiple submitters, no conflicts (2 of 4 stars). 3 submissions from 3 submitters: Uncertain significance (3). Last evaluated 2021-09-29.

Conditions:
Autosomal recessive polycystic kidney disease (ARPKD). Also called: AR polycystic kidney disease. Identifiers: Orphanet 731, Orphanet 8378, MedGen C0085548, MeSH D017044, MONDO:0009889.

Allele frequency attached by ClinVar (database versions not stated): gnomAD exomes 0.00001 and 0.00005; TOPMed 0.00002; ExAC 0.00004.
gnomAD v4.1: 17 of 1,596,610 alleles (0.0011%); highest among the groups gnomAD compares: Admixed American, 0.028%; no homozygotes.

Submissions (3):

Labcorp Genetics (formerly Invitae), Labcorp
Classification: Uncertain significance for Autosomal recessive polycystic kidney disease. Last evaluated: 2021-09-29. Review status: criteria provided, single submitter. Criteria: Invitae Variant Classification Sherloc (09022015). Collection method: clinical testing. Allele origin: germline.
Comment: This sequence change replaces proline with serine at codon 203 of the PKHD1 protein (p.Pro203Ser). The proline residue is moderately conserved and there is a moderate physicochemical difference between proline and serine. This variant is present in population databases (rs777994980, ExAC 0.04%). This variant has not been reported in the literature in individuals affected with PKHD1-related conditions. ClinVar contains an entry for this variant (Variation ID: 598513). Advanced modeling of protein sequence and biophysical properties (such as structural, functional, and spatial information, amino acid conservation, physicochemical variation, residue mobility, and thermodynamic stability) performed at Invitae indicates that this missense variant is not expected to disrupt PKHD1 protein function. In summary, the available evidence is currently insufficient to determine the role of this variant in disease. Therefore, it has been classified as a Variant of Uncertain Significance.

Eurofins Ntd Llc (ga)
Classification: Uncertain significance. Last evaluated: 2018-08-24. Review status: criteria provided, single submitter. Criteria: EGL ClinVar v180209 classification definitions. Collection method: clinical testing. Allele origin: germline. Observed: 1 variant allele, 1 heterozygote.

Illumina Laboratory Services, Illumina
Classification: Uncertain significance for Polycystic kidney disease 4. Last evaluated: 2018-01-13. Review status: criteria provided, single submitter. Criteria: ICSL Variant Classification Criteria 13 December 2019. Collection method: clinical testing. Allele origin: germline.